The following is an entry in ClinVar:

ClinVar aggregate classification (germline): Uncertain significance (1 of 4 stars; one submission).

Allele frequency attached by ClinVar (database versions not stated): ExAC 0.00001; TOPMed 0.00001.
gnomAD v4.1: 3 of 1,614,112 alleles (0.00019%); highest among the groups gnomAD compares: Admixed American, 0.0017%; no homozygotes.

Submission:

Labcorp Genetics (formerly Invitae), Labcorp
Classification: Uncertain significance. Last evaluated: 2021-12-19. Review status: criteria provided, single submitter. Criteria: Invitae Variant Classification Sherloc (09022015). Collection method: clinical testing. Allele origin: germline.
Comment: This sequence change replaces alanine, which is neutral and non-polar, with serine, which is neutral and polar, at codon 135 of the HPS3 protein (p.Ala135Ser). This variant is present in population databases (rs769747723, gnomAD 0.003%). This variant has not been reported in the literature in individuals affected with HPS3-related conditions. Algorithms developed to predict the effect of missense changes on protein structure and function (SIFT, PolyPhen-2, Align-GVGD) all suggest that this variant is likely to be tolerated. In summary, the available evidence is currently insufficient to determine the role of this variant in disease. Therefore, it has been classified as a Variant of Uncertain Significance.

NM_032383.5(HPS3):c.403G>T (p.Ala135Ser)

Gene: HPS3 (HPS3 biogenesis of lysosomal organelles complex 2 subunit 1; plus strand). Cytogenetic location: 3q24.
Variant type: single nucleotide variant.
Coding change: c.403G>T on transcript NM_032383.5 (MANE Select); coding-DNA position 403, G replaced by T.
Protein change: p.Ala135Ser; replaces alanine 135 with serine.
Molecular consequence: missense variant. On other transcripts: intron variant (1).
Genome position (GRCh38, 1-based): chr3:149,140,189, G>T. VCF-style: chr3-149140189-G-T. GRCh37 (hg19) VCF-style: chr3-148857976-G-T.
Other names: c.218-828G>T (NM_001308258.2); short protein forms A135S.
Identifiers: ClinVar variation 1939340 (VCV001939340.2), dbSNP rs769747723, ClinGen allele CA2659794.
Genomic context (GRCh38, chr3:149,140,189, plus strand): 5'-GGACCATTCAGCAAAGCCTTCAGAGACCAGATGTACATTATTGAAATGCCGCTTTCGGAG[G>T]CCCCCTTGTGCATTTCCTGTTGCCCTGTGAAAGGAGACCTTCTCGTTGGCTGCACAAATA-3'
Protein context (NP_115759.2, residues 125-145): MYIIEMPLSE[Ala135Ser]PLCISCCPVK